The following is an entry in ClinVar:

NM_015909.4(NBAS):c.4703C>T (p.Ala1568Val)

Gene: NBAS (NBAS subunit of NRZ tethering complex; minus strand). Cytogenetic location: 2p24.3.
Variant type: single nucleotide variant.
Coding change: c.4703C>T on transcript NM_015909.4 (MANE Select); coding-DNA position 4703, C replaced by T.
Protein change: p.Ala1568Val; replaces alanine 1568 with valine.
Molecular consequence: missense variant. On other transcripts: non-coding transcript variant (1).
Genome position (GRCh38, 1-based): chr2:15,308,310, G>A on the plus strand (C>T on the coding strand, the complement: NBAS is on the minus strand). VCF-style: chr2-15308310-G-A. GRCh37 (hg19) VCF-style: chr2-15448434-G-A.
Other names: c.4703C>T (NM_015909.2); short protein forms A1568V.
Identifiers: ClinVar variation 1414898 (VCV001414898.7), dbSNP rs1671121057, ClinGen allele CA345893372.
Genomic context (GRCh38, chr2:15,308,310, plus strand): 5'-GGGGCCAATCGGGCATAGATCTGGAGGCTATAGTAATACGCTGCCAGCTGGAGAGATAAT[G>A]CAGAGGGGGACTGCTTTTCAAAGCACCGGTTAGCATCTAACACCTAGGAGGGAACATGTT-3'
Protein context (NP_056993.2, residues 1558-1578): NRCFEKQSPS[Ala1568Val]LSLQLAAYYY

ClinVar aggregate classification (germline): Uncertain significance. Review status: criteria provided, multiple submitters, no conflicts (2 of 4 stars). 2 submissions from 2 submitters: Uncertain significance (2). Last evaluated 2025-08-25.

Conditions:
Inborn genetic diseases. Identifiers: MedGen C0950123, MeSH D030342.

Allele frequency attached by ClinVar (database versions not stated): gnomAD exomes below 0.00001; gnomAD 0.00001; TOPMed 0.00001.
gnomAD v4.1: 4 of 1,614,076 alleles (0.00025%); highest among the groups gnomAD compares: South Asian, 0.0022%; no homozygotes.

Submissions (2):

Ambry Genetics
Classification: Uncertain significance for Inborn genetic diseases. Last evaluated: 2025-08-25. Review status: criteria provided, single submitter. Criteria: Ambry Variant Classification Scheme 2023. Collection method: clinical testing. Allele origin: germline.

Labcorp Genetics (formerly Invitae), Labcorp
Classification: Uncertain significance. Last evaluated: 2024-01-17. Review status: criteria provided, single submitter. Criteria: Invitae Variant Classification Sherloc (09022015). Collection method: clinical testing. Allele origin: germline.
Comment: This sequence change replaces alanine, which is neutral and non-polar, with valine, which is neutral and non-polar, at codon 1568 of the NBAS protein (p.Ala1568Val). This variant is not present in population databases (gnomAD no frequency). This variant has not been reported in the literature in individuals affected with NBAS-related conditions. ClinVar contains an entry for this variant (Variation ID: 1414898). Advanced modeling of protein sequence and biophysical properties (such as structural, functional, and spatial information, amino acid conservation, physicochemical variation, residue mobility, and thermodynamic stability) performed at Invitae indicates that this missense variant is not expected to disrupt NBAS protein function with a negative predictive value of 95%. In summary, the available evidence is currently insufficient to determine the role of this variant in disease. Therefore, it has been classified as a Variant of Uncertain Significance.